The following is an entry in ClinVar:

ClinVar aggregate classification (germline): Uncertain significance. Review status: criteria provided, multiple submitters, no conflicts (2 of 4 stars). 2 submissions from 2 submitters: Uncertain significance (2). Last evaluated 2025-06-18.

Conditions:
Inborn genetic diseases. Identifiers: MedGen C0950123, MeSH D030342.

Allele frequency attached by ClinVar (database versions not stated): ExAC 0.00002; TOPMed 0.00004; gnomAD 0.00005.

Submissions (2):

Ambry Genetics
Classification: Uncertain significance for Inborn genetic diseases. Last evaluated: 2025-06-18. Review status: criteria provided, single submitter. Criteria: Ambry Variant Classification Scheme 2023. Collection method: clinical testing. Allele origin: germline.

Labcorp Genetics (formerly Invitae), Labcorp
Classification: Uncertain significance. Last evaluated: 2025-03-16. Review status: criteria provided, single submitter. Criteria: Invitae Variant Classification Sherloc (09022015). Collection method: clinical testing. Allele origin: germline.
Comment: This sequence change replaces leucine, which is neutral and non-polar, with phenylalanine, which is neutral and non-polar, at codon 331 of the POLA1 protein (p.Leu331Phe). This variant is present in population databases (rs776042969, gnomAD 0.003%), including at least one homozygous and/or hemizygous individual. This variant has not been reported in the literature in individuals affected with POLA1-related conditions. ClinVar contains an entry for this variant (Variation ID: 1929067). Invitae Evidence Modeling of protein sequence and biophysical properties (such as structural, functional, and spatial information, amino acid conservation, physicochemical variation, residue mobility, and thermodynamic stability) indicates that this missense variant is not expected to disrupt POLA1 protein function with a negative predictive value of 80%. In summary, the available evidence is currently insufficient to determine the role of this variant in disease. Therefore, it has been classified as a Variant of Uncertain Significance.

NM_001330360.2(POLA1):c.1011G>C (p.Leu337Phe)

Gene: POLA1 (DNA polymerase alpha 1, catalytic subunit; plus strand). Cytogenetic location: Xp22.11.
Variant type: single nucleotide variant.
Coding change: c.1011G>C on transcript NM_001330360.2 (MANE Select); coding-DNA position 1011, G replaced by C.
Protein change: p.Leu337Phe; replaces leucine 337 with phenylalanine.
Molecular consequence: missense variant. On other transcripts: non-coding transcript variant (2).
Genome position (GRCh38, 1-based): chrX:24,717,682, G>C. VCF-style: chrX-24717682-G-C. GRCh37 (hg19) VCF-style: chrX-24735799-G-C.
Other names: c.993G>C (NM_016937.3); c.1011G>C, p.Leu337Phe (NM_001378303.1); c.993G>C, p.Leu331Phe (NM_016937.4); short protein forms L337F, L331F.
Identifiers: ClinVar variation 1929067 (VCV001929067.6), dbSNP rs776042969, ClinGen allele CA10372890.